The following is an entry in ClinVar:

ClinVar aggregate classification (germline): Pathogenic (1 of 4 stars; one submission).

Submission:

Labcorp Genetics (formerly Invitae), Labcorp
Classification: Pathogenic. Last evaluated: 2023-05-15. Review status: criteria provided, single submitter. Criteria: Invitae Variant Classification Sherloc (09022015). Collection method: clinical testing. Allele origin: germline.
Comment: For these reasons, this variant has been classified as Pathogenic. ClinVar contains an entry for this variant (Variation ID: 1025313). This variant has not been reported in the literature in individuals affected with CTNNA1-related conditions. This variant is not present in population databases (gnomAD no frequency). This sequence change creates a premature translational stop signal (p.Asp77Ilefs*18) in the CTNNA1 gene. It is expected to result in an absent or disrupted protein product. Loss-of-function variants in CTNNA1 are known to be pathogenic (PMID: 32051609, 34425242).

Literature cited by the submitters: PubMed 32051609; PubMed 34425242.

NM_001903.5(CTNNA1):c.229del (p.Asp77fs)

Gene: CTNNA1 (catenin alpha 1; plus strand). Cytogenetic location: 5q31.2.
Variant type: Deletion.
Coding change: c.229del on transcript NM_001903.5 (MANE Select); coding-DNA position 229, one base deleted (G; older notation c.229delG).
Protein change: p.Asp77fs; shifts the reading frame from aspartic acid 77.
Molecular consequence: frameshift variant. On other transcripts: intron variant (2).
Genome position (GRCh38, 1-based): chr5:138,783,300, G deleted; the last of 5 consecutive G bases (chr5:138,783,296-138,783,300); deleting any one gives the same sequence. VCF-style (leftmost placement, unchanged base first): chr5-138783295-AG-A. GRCh37 (hg19) VCF-style: chr5-138118984-AG-A.
Other names: c.229del, p.Asp77fs (NM_001290307.3, NM_001323982.2, NM_001323983.1 and 3 more transcripts); c.-6+28del (NM_001290310.3); c.-9+1271del (NM_001290309.3); short protein forms D77fs.
Identifiers: ClinVar variation 1025313 (VCV001025313.7), dbSNP rs1755336735, ClinGen allele CA1586021173.